The following is an entry in ClinVar:

NM_022166.4(XYLT1):c.2098A>G (p.Ile700Val)

Gene: XYLT1 (xylosyltransferase 1; minus strand). Cytogenetic location: 16p12.3.
Variant type: single nucleotide variant.
Coding change: c.2098A>G on transcript NM_022166.4 (MANE Select); coding-DNA position 2098, A replaced by G.
Protein change: p.Ile700Val; replaces isoleucine 700 with valine.
Molecular consequence: missense variant.
Genome position (GRCh38, 1-based): chr16:17,127,791, T>C on the plus strand (A>G on the coding strand, the complement: XYLT1 is on the minus strand). VCF-style: chr16-17127791-T-C. GRCh37 (hg19) VCF-style: chr16-17221648-T-C.
Other names: short protein forms I700V.
Identifiers: ClinVar variation 2900950 (VCV002900950.3), dbSNP rs773224649, ClinGen allele CA7927667.

ClinVar aggregate classification (germline): Uncertain significance (1 of 4 stars; one submission).

Conditions:
Desbuquois dysplasia 1 (DBQD1). Also called: MICROMELIC DWARFISM WITH VERTEBRAL AND METAPHYSEAL ABNORMALITIES AND ADVANCED CARPOTARSAL OSSIFICATION; DESBUQUOIS DYSPLASIA 1, KIM VARIANT. Identifiers: Orphanet 1425, MedGen C4012146, MONDO:0009629, OMIM 251450.

Allele frequency attached by ClinVar (database versions not stated): gnomAD exomes below 0.00001; TOPMed below 0.00001; ExAC 0.00001.
gnomAD v4.1: 1 of 1,614,058 alleles (0.000062%); highest among the groups gnomAD compares: Non-Finnish European, 0.000085%; no homozygotes.

Submission:

Labcorp Genetics (formerly Invitae), Labcorp
Classification: Uncertain significance for Desbuquois dysplasia 1. Last evaluated: 2023-11-14. Review status: criteria provided, single submitter. Criteria: Invitae Variant Classification Sherloc (09022015). Collection method: clinical testing. Allele origin: germline.
Comment: This sequence change replaces isoleucine, which is neutral and non-polar, with valine, which is neutral and non-polar, at codon 700 of the XYLT1 protein (p.Ile700Val). This variant is present in population databases (rs773224649, gnomAD 0.0009%). This variant has not been reported in the literature in individuals affected with XYLT1-related conditions. Algorithms developed to predict the effect of missense changes on protein structure and function output the following: SIFT: "Not Available"; PolyPhen-2: "Benign"; Align-GVGD: "Not Available". The valine amino acid residue is found in multiple mammalian species, which suggests that this missense change does not adversely affect protein function. In summary, the available evidence is currently insufficient to determine the role of this variant in disease. Therefore, it has been classified as a Variant of Uncertain Significance.